The following is an entry in ClinVar:

NM_152732.5(RSPH9):c.237C>A (p.Cys79Ter)

Gene: RSPH9 (radial spoke head component 9; plus strand). Cytogenetic location: 6p21.1.
Variant type: single nucleotide variant.
Coding change: c.237C>A on transcript NM_152732.5 (MANE Select); coding-DNA position 237, C replaced by A.
Protein change: p.Cys79Ter; replaces cysteine 79 with a stop codon.
Molecular consequence: nonsense. On other transcripts: non-coding transcript variant (1).
Genome position (GRCh38, 1-based): chr6:43,650,384, C>A. VCF-style: chr6-43650384-C-A. GRCh37 (hg19) VCF-style: chr6-43618121-C-A.
Other names: c.237C>A, p.Cys79Ter (NM_001424120.1, NM_001424121.1, NM_001193341.2 and 1 more transcripts); short protein forms C79*.
Identifiers: ClinVar variation 4280097 (VCV004280097.1).

ClinVar aggregate classification (germline): Likely pathogenic (1 of 4 stars; one submission).

Conditions:
Combined immunodeficiency with skin granulomas. Identifiers: Orphanet 157949, MedGen C2673536, MONDO:0009306, OMIM 233650.

gnomAD v4.1: 2 of 1,613,050 alleles (0.00012%); highest among the groups gnomAD compares: South Asian, 0.0022%; no homozygotes.

Submission:

Johns Hopkins Genomics, Johns Hopkins University
Classification: Likely pathogenic for Combined immunodeficiency with skin granulomas. Last evaluated: 2025-07-29. Review status: criteria provided, single submitter. Criteria: ACMG Guidelines, 2015. Collection method: clinical testing. Allele origin: germline.
Comment: This RSPH9 nonsense variant (rs762716238) is rare (<0.1%) in a large population dataset (gnomAD: 2/1613050 total alleles; MAF 0.0001240%; 0 homozygotes) and has not been reported in ClinVar, nor the literature, to our knowledge. This variant results in a premature stop codon in exon 2 of 5, likely leading to nonsense-mediated decay and lack of protein production. We consider this variant to be likely pathogenic.

Literature cited by the submitters: PubMed 19200523.